The following is an entry in ClinVar:

ClinVar aggregate classification (germline): Uncertain significance (1 of 4 stars; one submission).

Conditions:
TCF20-related disorder. Also called: TCF20-related condition.

gnomAD v4.1: 2 of 1,614,166 alleles (0.00012%); highest among the groups gnomAD compares: South Asian, 0.0011%; no homozygotes.

Submission:

PreventionGenetics, part of Exact Sciences
Classification: Uncertain significance for TCF20-related condition. Last evaluated: 2025-11-24. Review status: criteria provided, single submitter. Criteria: ACMG Guidelines, 2015. Collection method: clinical testing. Allele origin: germline.
Comment: The TCF20 c.4673C>T variant is predicted to result in the amino acid substitution p.Pro1558Leu. To our knowledge, this variant has not been reported in the literature. This variant is reported in 0.0033% of alleles in individuals of South Asian descent in gnomAD. At this time, the clinical significance of this variant is uncertain due to the absence of conclusive functional and genetic evidence.

NM_001378418.1(TCF20):c.4673C>T (p.Pro1558Leu)

Gene: TCF20 (transcription factor 20; minus strand). Cytogenetic location: 22q13.2.
Variant type: single nucleotide variant.
Coding change: c.4673C>T on transcript NM_001378418.1 (MANE Select); coding-DNA position 4673, C replaced by T.
Protein change: p.Pro1558Leu; replaces proline 1558 with leucine.
Molecular consequence: missense variant.
Genome position (GRCh38, 1-based): chr22:42,210,633, G>A on the plus strand (C>T on the coding strand, the complement: TCF20 is on the minus strand). VCF-style: chr22-42210633-G-A. GRCh37 (hg19) VCF-style: chr22-42606639-G-A.
Other names: c.4673C>T, p.Pro1558Leu (NM_005650.4, NM_181492.3); short protein forms P1558L.
Identifiers: ClinVar variation 4980655 (VCV004980655.1).